The following is an entry in ClinVar:

ClinVar aggregate classification (germline): Uncertain significance (1 of 4 stars; one submission).

gnomAD v4.1: 2 of 1,612,954 alleles (0.00012%); highest among the groups gnomAD compares: Non-Finnish European, 0.00017%; no homozygotes.

Submission:

Labcorp Genetics (formerly Invitae), Labcorp
Classification: Uncertain significance. Last evaluated: 2025-01-01. Review status: criteria provided, single submitter. Criteria: Invitae Variant Classification Sherloc (09022015). Collection method: clinical testing. Allele origin: germline.
Comment: This sequence change replaces glycine, which is neutral and non-polar, with aspartic acid, which is acidic and polar, at codon 997 of the COL11A2 protein (p.Gly997Asp). This variant is not present in population databases (gnomAD no frequency). This variant has not been reported in the literature in individuals affected with COL11A2-related conditions. An algorithm developed to predict the effect of missense changes on protein structure and function (PolyPhen-2) suggests that this variant is likely to be disruptive. In summary, the available evidence is currently insufficient to determine the role of this variant in disease. Therefore, it has been classified as a Variant of Uncertain Significance.

NM_080680.3(COL11A2):c.2990G>A (p.Gly997Asp)

Gene: COL11A2 (collagen type XI alpha 2 chain; minus strand). Cytogenetic location: 6p21.32.
Variant type: single nucleotide variant.
Coding change: c.2990G>A on transcript NM_080680.3 (MANE Select); coding-DNA position 2990, G replaced by A.
Protein change: p.Gly997Asp; replaces glycine 997 with aspartic acid.
Molecular consequence: missense variant.
Genome position (GRCh38, 1-based): chr6:33,172,102, C>T on the plus strand (G>A on the coding strand, the complement: COL11A2 is on the minus strand). VCF-style: chr6-33172102-C-T. GRCh37 (hg19) VCF-style: chr6-33139879-C-T.
Other names: c.2810G>A, p.Gly937Asp (NM_001424108.1); c.2144G>A, p.Gly715Asp (NM_001424109.1); c.1964G>A, p.Gly655Asp (NM_001424110.1, NM_001424111.1); c.944G>A, p.Gly315Asp (NM_001424112.1); c.2669G>A, p.Gly890Asp (NM_080679.3); c.2732G>A, p.Gly911Asp (NM_080681.3); short protein forms G315D, G655D, G715D, G890D, G911D, G937D, G997D.
Identifiers: ClinVar variation 3619376 (VCV003619376.2).